The following is an entry in ClinVar:

ClinVar aggregate classification (germline): Pathogenic (1 of 4 stars; one submission).

Conditions:
Fabry disease. Also called: ALPHA-GALACTOSIDASE A DEFICIENCY; ANDERSON-FABRY DISEASE; CERAMIDE TRIHEXOSIDASE DEFICIENCY; GLA DEFICIENCY; HEREDITARY DYSTOPIC LIPIDOSIS; Fabry's disease. Identifiers: Orphanet 324, MedGen C0002986, MONDO:0010526, OMIM 301500, HP:0001071. Disease mechanism: Fabry disease is due to inactivating mutations in the X-linked GLA gene resulting in deficiency of the enzyme Alpha Galactosidase-A., loss of function.

Submission:

Women's Health and Genetics/Laboratory Corporation of America, LabCorp
Classification: Pathogenic for Fabry disease. Last evaluated: 2020-08-26. Review status: criteria provided, single submitter. Criteria: LabCorp Variant Classification Summary - May 2015. Collection method: clinical testing. Allele origin: germline.
Comment: Variant summary: The variant identified by MLPA or other technology involves the deletion of exons 5-7 in the GLA gene. A presumed nomenclature of c.(639+1_640-1)_(*19_?)del has been designated for the purposes of this classification. Although exact breakpoints of this deletion are not known, it is expected to result in a loss of protein function of the GLA gene product, a known mechanism of disease. The variant was absent in 16120 control chromosomes (gnomAD, Structural Variants dataset). c.(639+1_640-1)_(*19_?)del has been reported in the literature in at-least one individual affected with classic Fabry Disease (example, Rodrguez-Mar_2003). At least one publication reports experimental evidence evaluating an impact on protein function. The most pronounced variant effect results in loss of GLA enzyme activity (example, Rodrguez-Mar_2003). No clinical diagnostic laboratories have submitted clinical-significance assessments for this variant to ClinVar after 2014. Based on the evidence outlined above, the variant was classified as pathogenic.

Literature cited by the submitters: PubMed 12938095.

NC_000023.11:g.(?_101397790)_(101398947_101400665)del

Genes: GLA (galactosidase alpha; minus strand), RPL36A-HNRNPH2 (RPL36A-HNRNPH2 readthrough; plus strand). Cytogenetic location: Xq22.1.
Variant type: Deletion.
Identifiers: ClinVar variation 982012 (VCV000982012.1).